The following is an entry in ClinVar:

NM_000059.4(BRCA2):c.7435+17del

Gene: BRCA2 (BRCA2 DNA repair associated; plus strand). Cytogenetic location: 13q13.1.
Variant type: Deletion.
Coding change: c.7435+17del on transcript NM_000059.4 (MANE Select); 17 bases into the intron after coding-DNA position 7435, one base deleted (T; older notation c.7435+17delT).
Molecular consequence: intron variant.
Genome position (GRCh38, 1-based): chr13:32,355,305, T deleted; the last of 3 consecutive T bases (chr13:32,355,303-32,355,305); deleting any one gives the same sequence. VCF-style (leftmost placement, unchanged base first): chr13-32355302-AT-A. GRCh37 (hg19) VCF-style: chr13-32929439-AT-A.
Other names: c.7435+17delT (NM_000059.3, NM_000059.4).
Identifiers: ClinVar variation 495500 (VCV000495500.18), dbSNP rs1472572621, ClinGen allele CA609453883.
Genomic context (GRCh38, chr13:32,355,302, plus strand): 5'-TCAAGCAGTAGCTGTAACTTTCACAAAGTGTGAAGAAGAACCTTTAGGTATTGTATGACA[AT>A]TTGTGTGATGAATTTTTGCCTTTCAGTTAGATATTTCCGTTGTTAAATAATGTCCTGATG-3'

ClinVar aggregate classification (germline): Likely benign. Review status: criteria provided, multiple submitters, no conflicts (2 of 4 stars). 4 submissions from 4 submitters: Likely benign (4). Last evaluated 2026-03-30.

Conditions:
Hereditary cancer-predisposing syndrome. Also called: Tumor predisposition; Hereditary Cancer Syndrome; Hereditary neoplastic syndrome; Neoplastic Syndromes, Hereditary. Identifiers: Orphanet 140162, MedGen C0027672, MeSH D009386, MONDO:0015356.
Hereditary breast ovarian cancer syndrome. Also called: Hereditary breast and ovarian cancer syndrome (HBOC); Breast and ovarian cancer; Hereditary breast and ovarian cancer; Hereditary breast and ovarian cancer syndrome; BRCA1- and BRCA2-Associated Hereditary Breast and Ovarian Cancer; Hereditary breast and/or ovarian cancer syndrome. Identifiers: Orphanet 145, MedGen C0677776, MeSH D061325, MONDO:0003582. Disease mechanism: loss of function.

Submissions (4):

Women's Health and Genetics/Laboratory Corporation of America, LabCorp
Classification: Likely benign. Last evaluated: 2026-03-30. Review status: criteria provided, single submitter. Criteria: LabCorp Variant Classification Summary - May 2015. Collection method: clinical testing. Allele origin: germline.
Comment: Variant summary: BRCA2 c.7435+17delT alters a non-conserved nucleotide located at a position not widely known to affect splicing. Consensus agreement among computation tools predict no significant impact on normal splicing. However, these predictions have yet to be confirmed by functional studies. The variant allele was found at a frequency of 4e-06 in 249700 control chromosomes. The available data on variant occurrences in the general population are insufficient to allow any conclusion about variant significance. To our knowledge, no occurrence of c.7435+17delT in individuals affected with BRCA2-related conditions and no experimental evidence demonstrating its impact on protein function have been reported. ClinVar contains an entry for this variant (Variation ID: 495500). Based on the evidence outlined above, the variant was classified as likely benign.

Labcorp Genetics (formerly Invitae), Labcorp
Classification: Likely benign for Hereditary breast ovarian cancer syndrome. Last evaluated: 2025-12-19. Review status: criteria provided, single submitter. Criteria: Invitae Variant Classification Sherloc (09022015). Collection method: clinical testing. Allele origin: germline.

Molecular Diagnostics Laboratory, Catalan Institute of Oncology
Classification: Likely benign for Hereditary cancer-predisposing syndrome. Last evaluated: 2024-10-24. Review status: criteria provided, single submitter. Criteria: ClinGen BRCA1BRCA2 ACMG Specifications BRCA2 V1.0.0. Collection method: clinical testing. Allele origin: germline.
Comment: BP4, BP7 c.7435+17del is an intronic variant not very close to a canonical splice site, where the SpliceAI algorithm predicts no significant impact on splicing (BP4, BP7). This variant is found in 2/266862 alleles, at a frequency of 0.0007% in the gnomAD v2.1.1 database, non-cancer dataset. To our knowledge, neither clinical data nor functional studies have been reported for this variant. In addition, it was reported in the following databases: BRCA Exchange (Not Yet Reviewed) and ClinVar (2x likely benign, 1x uncertain significance) but it has not been reported in LOVD database. Based on currently available information, the variant c.7435+17del should be considered a likely benign variant according to ClinGen-BRCA2 Guidelines version v1.0.0.

Color Diagnostics, LLC DBA Color Health
Classification: Likely benign for Hereditary cancer-predisposing syndrome. Last evaluated: 2018-10-03. Review status: criteria provided, single submitter. Criteria: ACMG Guidelines, 2015. Collection method: clinical testing. Allele origin: germline.